The following is an entry in ClinVar:

NM_006648.4(WNK2):c.1738C>G (p.Gln580Glu)

Gene: WNK2 (WNK lysine deficient protein kinase 2; plus strand). Cytogenetic location: 9q22.31.
Variant type: single nucleotide variant.
Coding change: c.1738C>G on transcript NM_006648.4 (MANE Select); coding-DNA position 1738, C replaced by G.
Protein change: p.Gln580Glu; replaces glutamine 580 with glutamic acid.
Molecular consequence: missense variant.
Genome position (GRCh38, 1-based): chr9:93,247,738, C>G. VCF-style: chr9-93247738-C-G. GRCh37 (hg19) VCF-style: chr9-96010020-C-G.
Other names: c.1738C>G, p.Gln580Glu (NM_001282394.3); short protein forms Q580E.
Identifiers: ClinVar variation 3816494 (VCV003816494.1).
Genomic context (GRCh38, chr9:93,247,738, plus strand): 5'-AGCCCGGACAAGGCCAGGGGTCCGCCGGTGCCCCTGCAGGTCCAGGTGACCTACCATGCA[C>G]AGGCTGGGCAGCCCGGGCCACCAGAGCCCGAGGAGCCGGAGGCCGACCAGCACCTCCTGC-3'
Protein context (NP_006639.3, residues 570-590): PLQVQVTYHA[Gln580Glu]AGQPGPPEPE

ClinVar aggregate classification (germline): Uncertain significance (1 of 4 stars; one submission).

gnomAD v4.1: 33 of 1,555,166 alleles (0.0021%); highest among the groups gnomAD compares: Non-Finnish European, 0.0027%; no homozygotes.

Submission:

Ambry Genetics
Classification: Uncertain significance. Last evaluated: 2024-12-15. Review status: criteria provided, single submitter. Criteria: Ambry Variant Classification Scheme 2023. Collection method: clinical testing. Allele origin: germline.
Comment: The p.Q580E variant (also known as c.1738C>G), located in coding exon 7 of the WNK2 gene, results from a C to G substitution at nucleotide position 1738. The glutamine at codon 580 is replaced by glutamic acid, an amino acid with highly similar properties. This amino acid position is conserved. In addition, this alteration is predicted to be tolerated by in silico analysis. Based on the available evidence, the clinical significance of this variant remains unclear.